The following is an entry in ClinVar:

NM_015030.2(FRYL):c.4823T>C (p.Ile1608Thr)

Gene: FRYL (FRY like transcription coactivator; minus strand). Cytogenetic location: 4p11.
Variant type: single nucleotide variant.
Coding change: c.4823T>C on transcript NM_015030.2 (MANE Select); coding-DNA position 4823, T replaced by C.
Protein change: p.Ile1608Thr; replaces isoleucine 1608 with threonine.
Molecular consequence: missense variant.
Genome position (GRCh38, 1-based): chr4:48,548,755, A>G on the plus strand (T>C on the coding strand, the complement: FRYL is on the minus strand). VCF-style: chr4-48548755-A-G. GRCh37 (hg19) VCF-style: chr4-48550772-A-G.
Other names: short protein forms I1608T.
Identifiers: ClinVar variation 3677951 (VCV003677951.2).

ClinVar aggregate classification (germline): Uncertain significance (1 of 4 stars; one submission).

gnomAD v4.1: 1 of 1,612,062 alleles (0.000062%); highest among the groups gnomAD compares: Non-Finnish European, 0.000085%; no homozygotes.

Submission:

Labcorp Genetics (formerly Invitae), Labcorp
Classification: Uncertain significance. Last evaluated: 2024-08-28. Review status: criteria provided, single submitter. Criteria: Invitae Variant Classification Sherloc (09022015). Collection method: clinical testing. Allele origin: germline.
Comment: This sequence change replaces isoleucine, which is neutral and non-polar, with threonine, which is neutral and polar, at codon 1608 of the FRYL protein (p.Ile1608Thr). This variant is not present in population databases (gnomAD no frequency). This variant has not been reported in the literature in individuals affected with FRYL-related conditions. An algorithm developed to predict the effect of missense changes on protein structure and function (PolyPhen-2) suggests that this variant is likely to be tolerated. In summary, the available evidence is currently insufficient to determine the role of this variant in disease. Therefore, it has been classified as a Variant of Uncertain Significance.